The following is an entry in ClinVar:

ClinVar aggregate classification (germline): Uncertain significance (1 of 4 stars; one submission).

Submission:

GeneDx
Classification: Uncertain significance. Last evaluated: 2024-08-27. Review status: criteria provided, single submitter. Criteria: GeneDx Variant Classification Process June 2021. Collection method: clinical testing. Allele origin: germline. Affected: yes.
Comment: Not observed at significant frequency in large population cohorts (gnomAD); In silico analysis indicates that this missense variant does not alter protein structure/function; Has not been previously published as pathogenic or benign to our knowledge

NM_032436.4(CHAMP1):c.2104A>G (p.Met702Val)

Gene: CHAMP1 (chromosome alignment maintaining phosphoprotein 1; plus strand). Cytogenetic location: 13q34.
Variant type: single nucleotide variant.
Coding change: c.2104A>G on transcript NM_032436.4 (MANE Select); coding-DNA position 2104, A replaced by G.
Protein change: p.Met702Val; replaces methionine 702 with valine.
Molecular consequence: missense variant.
Genome position (GRCh38, 1-based): chr13:114,325,946, A>G. VCF-style: chr13-114325946-A-G. GRCh37 (hg19) VCF-style: chr13-115091421-A-G.
Other names: c.2104A>G, p.Met702Val (NM_001164144.3, NM_001164145.3); short protein forms M702V.
Identifiers: ClinVar variation 3766240 (VCV003766240.1).